The following is an entry in ClinVar:

ClinVar aggregate classification (germline): Uncertain significance. Review status: criteria provided, multiple submitters, no conflicts (2 of 4 stars). 2 submissions from 2 submitters: Uncertain significance (2). Last evaluated 2026-06-01.

Allele frequency attached by ClinVar (database versions not stated): gnomAD 0.00001; gnomAD exomes 0.00001 and 0.00003; ExAC 0.00002; TOPMed 0.00007.
gnomAD v4.1: 24 of 1,613,000 alleles (0.0015%); highest among the groups gnomAD compares: South Asian, 0.017%; no homozygotes.

Submissions (2):

CeGaT Center for Human Genetics Tuebingen
Classification: Uncertain significance. Last evaluated: 2026-06-01. Review status: criteria provided, single submitter. Criteria: CeGaT Center For Human Genetics Tuebingen Variant Classification Criteria Version 2. Collection method: clinical testing. Allele origin: germline. Affected: yes. Observed: 1 variant allele.
Comment: PCDH12: PM2, BP4

Labcorp Genetics (formerly Invitae), Labcorp
Classification: Uncertain significance. Last evaluated: 2022-09-07. Review status: criteria provided, single submitter. Criteria: Invitae Variant Classification Sherloc (09022015). Collection method: clinical testing. Allele origin: germline.
Comment: Advanced modeling of protein sequence and biophysical properties (such as structural, functional, and spatial information, amino acid conservation, physicochemical variation, residue mobility, and thermodynamic stability) performed at Invitae indicates that this missense variant is not expected to disrupt PCDH12 protein function. This sequence change replaces alanine, which is neutral and non-polar, with threonine, which is neutral and polar, at codon 148 of the PCDH12 protein (p.Ala148Thr). This variant is present in population databases (rs766507231, gnomAD 0.01%). This variant has not been reported in the literature in individuals affected with PCDH12-related conditions. ClinVar contains an entry for this variant (Variation ID: 1440539). In summary, the available evidence is currently insufficient to determine the role of this variant in disease. Therefore, it has been classified as a Variant of Uncertain Significance.

NM_016580.4(PCDH12):c.442G>A (p.Ala148Thr)

Genes: PCDH12 (protocadherin 12; minus strand), RNF14 (ring finger protein 14; plus strand). Cytogenetic location: 5q31.3.
Variant type: single nucleotide variant.
Coding change: c.442G>A on transcript NM_016580.4 (MANE Select); coding-DNA position 442, G replaced by A.
Protein change: p.Ala148Thr; replaces alanine 148 with threonine.
Molecular consequence: missense variant.
Genome position (GRCh38, 1-based): chr5:141,957,410, C>T on the plus strand (G>A on the coding strand, the complement: PCDH12 is on the minus strand). VCF-style: chr5-141957410-C-T. GRCh37 (hg19) VCF-style: chr5-141336975-C-T.
Other names: short protein forms A148T.
Identifiers: ClinVar variation 1440539 (VCV001440539.8), dbSNP rs766507231, ClinGen allele CA3484558.
Genomic context (GRCh38, chr5:141,957,410, plus strand): 5'-TGTTAGGGCCTGTGTCTGGGTCAAGAGCTCTGTCCAGGGGGATCCGGGTTCGCAGAGAGG[C>T]GCTCTCAGAGATTTCCAGCTCCTGCTCGCCTTTGGGAAACCGTGGCTGGTGGTCATTGAT-3'
Protein context (NP_057664.1, residues 138-158): GEQELEISES[Ala148Thr]SLRTRIPLDR